The following is an entry in ClinVar:

NM_032043.3(BRIP1):c.1500dup (p.Glu501fs)

Gene: BRIP1 (BRCA1 interacting DNA helicase 1; minus strand). Cytogenetic location: 17q23.2.
Variant type: Duplication.
Coding change: c.1500dup on transcript NM_032043.3 (MANE Select); coding-DNA position 1500, one base duplicated (A; older notation c.1500dupA).
Protein change: p.Glu501fs; shifts the reading frame from glutamic acid 501.
Molecular consequence: frameshift variant.
Genome position (GRCh38, 1-based): chr17:61,784,398, T duplicated on the plus strand (A on the coding strand, the reverse complement: BRIP1 is on the minus strand); the first of 5 consecutive T bases (chr17:61,784,398-61,784,402); duplicating any one gives the same sequence. VCF-style (leftmost placement, unchanged base first): chr17-61784397-C-CT. GRCh37 (hg19) VCF-style: chr17-59861758-C-CT.
Other names: c.1500dupA (NM_032043.2); short protein forms E501fs.
Identifiers: ClinVar variation 2584277 (VCV002584277.6), dbSNP rs2545055440, ClinGen allele CA2582342291.

ClinVar aggregate classification (germline): Pathogenic. Review status: criteria provided, multiple submitters, no conflicts (2 of 4 stars). 3 submissions from 3 submitters: Pathogenic (3). Last evaluated 2025-12-30.

Conditions:
Familial cancer of breast. Also called: Hereditary breast cancer; hereditary breast carcinoma; BREAST CANCER, FAMILIAL. Identifiers: Orphanet 227535, MedGen C0346153, MONDO:0016419, OMIM 114480. Disease mechanism: loss of function.
Hereditary cancer-predisposing syndrome. Also called: Neoplastic Syndromes, Hereditary; Tumor predisposition; Hereditary Cancer Syndrome; Hereditary neoplastic syndrome. Identifiers: Orphanet 140162, MedGen C0027672, MeSH D009386, MONDO:0015356.
Fanconi anemia complementation group J. Also called: BRIP1-Related Fanconi Anemia. Identifiers: Orphanet 84, MedGen C1836860, MONDO:0012187, OMIM 609054.

Submissions (3):

Ambry Genetics
Classification: Pathogenic for Hereditary cancer-predisposing syndrome. Last evaluated: 2025-12-30. Review status: criteria provided, single submitter. Criteria: Ambry Variant Classification Scheme 2023. Collection method: clinical testing. Allele origin: germline.
Comment: The c.1500dupA pathogenic mutation, located in coding exon 10 of the BRIP1 gene, results from a duplication of A at nucleotide position 1500, causing a translational frameshift with a predicted alternate stop codon (p.E501Rfs*10). This variant is considered to be rare based on population cohorts in the Genome Aggregation Database (gnomAD). This alteration is expected to result in loss of function by premature protein truncation or nonsense-mediated mRNA decay. As such, this alteration is interpreted as a disease-causing mutation.

Labcorp Genetics (formerly Invitae), Labcorp
Classification: Pathogenic for Familial cancer of breast; Fanconi anemia complementation group J. Last evaluated: 2025-09-30. Review status: criteria provided, single submitter. Criteria: Invitae Variant Classification Sherloc (09022015). Collection method: clinical testing. Allele origin: germline.
Comment: This sequence change creates a premature translational stop signal (p.Glu501Argfs*10) in the BRIP1 gene. It is expected to result in an absent or disrupted protein product. Loss-of-function variants in BRIP1 are known to be pathogenic (PMID: 16116423, 17033622, 21964575). This variant is not present in population databases (gnomAD no frequency). This variant has not been reported in the literature in individuals affected with BRIP1-related conditions. ClinVar contains an entry for this variant (Variation ID: 2584277). For these reasons, this variant has been classified as Pathogenic.

Myriad Genetics, Inc.
Classification: Pathogenic for Familial cancer of breast. Last evaluated: 2023-06-02. Review status: criteria provided, single submitter. Criteria: Myriad Autosomal Dominant, Autosomal Recessive and X-Linked Classification Criteria (2023). Collection method: clinical testing. Allele origin: unknown.
Comment: This variant is considered pathogenic. This variant creates a frameshift predicted to result in premature protein truncation.

Literature cited by the submitters: PubMed 16116423 (cited by Labcorp Genetics (formerly Invitae), Labcorp); PubMed 17033622 (cited by Labcorp Genetics (formerly Invitae), Labcorp); PubMed 21964575 (cited by Labcorp Genetics (formerly Invitae), Labcorp).